The following is an entry in ClinVar:

ClinVar aggregate classification (germline): Conflicting classifications of pathogenicity. Review status: criteria provided, conflicting classifications (1 of 4 stars). 4 submissions from 4 submitters: Likely pathogenic (2); Uncertain significance (2). Last evaluated 2025-02-28.

Conditions:
Hypertrophic cardiomyopathy. Also called: HYPERTROPHIC MYOCARDIOPATHY. Identifiers: Orphanet 217569, MedGen C0007194, MeSH D002312, MONDO:0005045, HP:0001639.
MYH7-related disorder. Also called: MYH7-related condition; MYH7-related disease; MYH7-related disorders.
Cardiovascular phenotype. Identifiers: MedGen CN230736.

Submissions (4):

Labcorp Genetics (formerly Invitae), Labcorp
Classification: Likely pathogenic for Hypertrophic cardiomyopathy. Last evaluated: 2025-02-28. Review status: criteria provided, single submitter. Criteria: Invitae Variant Classification Sherloc (09022015). Collection method: clinical testing. Allele origin: germline.
Comment: This sequence change replaces arginine, which is basic and polar, with leucine, which is neutral and non-polar, at codon 143 of the MYH7 protein (p.Arg143Leu). This variant is not present in population databases (gnomAD no frequency). This variant has not been reported in the literature in individuals affected with MYH7-related conditions. ClinVar contains an entry for this variant (Variation ID: 1315601). Invitae Evidence Modeling of protein sequence and biophysical properties (such as structural, functional, and spatial information, amino acid conservation, physicochemical variation, residue mobility, and thermodynamic stability) indicates that this missense variant is expected to disrupt MYH7 protein function with a positive predictive value of 95%. This variant disrupts the p.Arg143 amino acid residue in MYH7. Other variant(s) that disrupt this residue have been determined to be pathogenic (PMID: 12974739, 23711808, 25086479, 27532257, 28408708, 28615295, 28771489, 30588760). This suggests that this residue is clinically significant, and that variants that disrupt this residue are likely to be disease-causing. In summary, the currently available evidence indicates that the variant is pathogenic, but additional data are needed to prove that conclusively. Therefore, this variant has been classified as Likely Pathogenic.

Blueprint Genetics
Classification: Likely pathogenic for MYH7-related disorders. Last evaluated: 2024-11-19. Review status: criteria provided, single submitter. Criteria: ACMG Guidelines, 2015. Collection method: clinical testing. Allele origin: germline. Affected: yes. Observed: 1 variant allele.

GeneDx
Classification: Uncertain significance. Last evaluated: 2024-11-12. Review status: criteria provided, single submitter. Criteria: GeneDx Variant Classification Process June 2021. Collection method: clinical testing. Allele origin: germline. Affected: yes.
Comment: Has not been previously published as pathogenic or benign to our knowledge; Not observed at significant frequency in large population cohorts (gnomAD); In silico analysis supports that this missense variant has a deleterious effect on protein structure/function; Located in the myosin motor domain, a region enriched with missense variants reported in association with HCM (PMID: 27532257, 29300372); This variant is associated with the following publications: (PMID: 27532257, 29300372)

Ambry Genetics
Classification: Uncertain significance for Cardiovascular phenotype. Last evaluated: 2024-03-01. Review status: criteria provided, single submitter. Criteria: Ambry Variant Classification Scheme 2023. Collection method: clinical testing. Allele origin: germline.
Comment: The p.R143L variant (also known as c.428G>T), located in coding exon 3 of the MYH7 gene, results from a G to T substitution at nucleotide position 428. The arginine at codon 143 is replaced by leucine, an amino acid with dissimilar properties. This alteration has been reported in exome sequencing and hypertrophic cardiomyopathy (HCM) cohorts (Homburger JR et al. Proc Natl Acad Sci U S A, 2016 Jun;113:6701-6; Harper AR et al. Nat Genet, 2021 Feb;53:135-142). Other alterations affecting the same amino acid, p.R143W (c.427C>T) and p.R143Q (c.428G>A), have been reported in association with hypertrophic cardiomyopathy (HCM) (Erdmann J et al. Clin. Genet. 2003;64:339-49; Song L et al. Clin. Chim. Acta. 2005;351:209-16). This amino acid position is highly conserved in available vertebrate species. In addition, this alteration is predicted to be deleterious by in silico analysis. Since supporting evidence is limited at this time, the clinical significance of this alteration remains unclear.

Literature cited by the submitters: PubMed 12974739 (cited by Labcorp Genetics (formerly Invitae), Labcorp); PubMed 23711808 (cited by Labcorp Genetics (formerly Invitae), Labcorp); PubMed 25086479 (cited by Labcorp Genetics (formerly Invitae), Labcorp); PubMed 27532257 (cited by Labcorp Genetics (formerly Invitae), Labcorp); PubMed 28408708 (cited by Labcorp Genetics (formerly Invitae), Labcorp); PubMed 28615295 (cited by Labcorp Genetics (formerly Invitae), Labcorp); PubMed 28771489 (cited by Labcorp Genetics (formerly Invitae), Labcorp); PubMed 30588760 (cited by Labcorp Genetics (formerly Invitae), Labcorp); PubMed 27247418 (cited by Ambry Genetics); PubMed 33495597 (cited by Ambry Genetics).

NM_000257.4(MYH7):c.428G>T (p.Arg143Leu)

Gene: MYH7 (myosin heavy chain 7; minus strand). Cytogenetic location: 14q11.2.
Variant type: single nucleotide variant.
Coding change: c.428G>T on transcript NM_000257.4 (MANE Select); coding-DNA position 428, G replaced by T.
Protein change: p.Arg143Leu; replaces arginine 143 with leucine.
Molecular consequence: missense variant.
Genome position (GRCh38, 1-based): chr14:23,432,713, C>A on the plus strand (G>T on the coding strand, the complement: MYH7 is on the minus strand). VCF-style: chr14-23432713-C-A. GRCh37 (hg19) VCF-style: chr14-23901922-C-A.
Other names: short protein forms R143L.
Identifiers: ClinVar variation 1315601 (VCV001315601.12), dbSNP rs397516209, ClinGen allele CA389052837.